The following is an entry in ClinVar:

ClinVar aggregate classification (germline): Pathogenic/Likely pathogenic. Review status: criteria provided, multiple submitters, no conflicts (2 of 4 stars). 7 submissions from 7 submitters: Pathogenic (5); Likely pathogenic (1). 1 of the submissions does not count toward it. Last evaluated 2025-07-18.

Conditions:
Joubert syndrome. Also called: JOUBERT-BOLTSHAUSER SYNDROME; Familial aplasia of the vermis. Identifiers: Orphanet 475, MedGen C5979921, MONDO:0018772.
Meckel-Gruber syndrome. Also called: GRUBER SYNDROME; Dysencephalia splachnocystica; DYSENCEPHALIA SPLANCHNOCYSTICA. Identifiers: Orphanet 564, MedGen C0265215, MONDO:0018921.
Nephronophthisis. Also called: Juvenile Nephronophthisis. Identifiers: Orphanet 655, MedGen C0687120, MONDO:0019005, HP:0000090.
Meckel syndrome, type 4 (MKS4). Also called: MECKEL-GRUBER SYNDROME, TYPE 4. Identifiers: Orphanet 564, MedGen C1970161, MONDO:0012626, OMIM 611134.
Leber congenital amaurosis (LCA). Also called: Leber's amaurosis. Identifiers: Orphanet 65, MedGen C0339527, MeSH D057130, MONDO:0018998.
Senior-Loken syndrome 6 (SLSN6). Identifiers: Orphanet 3156, MedGen C1857779, MONDO:0012433, OMIM 610189.
Leber congenital amaurosis 10 (LCA10). Identifiers: Orphanet 65, MedGen C1857821, MONDO:0012723, OMIM 611755.
Joubert syndrome 5 (JBTS5). Identifiers: Orphanet 2318, MedGen C1857780, MONDO:0012432, OMIM 610188.
Bardet-Biedl syndrome 14 (BBS14). Identifiers: Orphanet 110, MedGen C2673874, MONDO:0014442, OMIM 615991.
Retinitis pigmentosa (RP). Identifiers: Orphanet 791, MedGen C0035334, MeSH D012174, MONDO:0019200, OMIM 268000. Inheritance: Autosomal dominant, autosomal recessive and X linked inheritance.

Allele frequency attached by ClinVar (database versions not stated): gnomAD exomes below 0.00001; ExAC 0.00001.
gnomAD v4.1: 6 of 1,578,620 alleles (0.00038%); highest among the groups gnomAD compares: Non-Finnish European, 0.00051%; no homozygotes.

Submissions (7):

Natera, Inc.
Classification: Pathogenic for Leber congenital amaurosis. Last evaluated: 2025-07-18. Review status: criteria provided, single submitter. Criteria: Natera Variant Classification Schema (03/2026). Collection method: clinical testing. Allele origin: germline.
Comment: The c.180+1G>A variant in CEP290 is a canonical splice donor site variant predicted to affect pre-mRNA splicing, which may result in an abnormal transcript and altered protein product. This variant is expected to result in nonsense mediated decay, truncation, or a dysfunctional protein product. This variant is rare in the general population with a frequency below the threshold expected for the associated phenotype(s). This variant has been observed in one or more individuals affected with the associated recessive disease, as either homozygous or compound heterozygous with a second variant (PMID: 34196655, 30718709, 37230223). Given the available evidence, this variant is classified as Pathogenic.

Labcorp Genetics (formerly Invitae), Labcorp
Classification: Pathogenic for Joubert syndrome; Meckel-Gruber syndrome; Nephronophthisis. Last evaluated: 2025-04-16. Review status: criteria provided, single submitter. Criteria: Invitae Variant Classification Sherloc (09022015). Collection method: clinical testing. Allele origin: germline.
Comment: This sequence change affects a donor splice site in intron 3 of the CEP290 gene. It is expected to disrupt RNA splicing. Variants that disrupt the donor or acceptor splice site typically lead to a loss of protein function (PMID: 16199547), and loss-of-function variants in CEP290 are known to be pathogenic (PMID: 16909394, 17345604, 20690115). This variant is present in population databases (rs758593134, gnomAD 0.001%). Disruption of this splice site has been observed in individual(s) with Leber congenital amaurosis (PMID: 16909394; internal data). In at least one individual the data is consistent with being in trans (on the opposite chromosome) from a pathogenic variant. ClinVar contains an entry for this variant (Variation ID: 461777). Algorithms developed to predict the effect of sequence changes on RNA splicing suggest that this variant may disrupt the consensus splice site. For these reasons, this variant has been classified as Pathogenic.

Fulgent Genetics
Classification: Likely pathogenic for Joubert syndrome 5; Senior-Loken syndrome 6; Meckel syndrome, type 4; Leber congenital amaurosis 10; Bardet-Biedl syndrome 14. Last evaluated: 2024-06-10. Review status: criteria provided, single submitter. Criteria: ACMG Guidelines, 2015. Collection method: clinical testing. Allele origin: germline.

MGZ Medical Genetics Center
Classification: Pathogenic for Meckel syndrome, type 4. Last evaluated: 2021-10-18. Review status: criteria provided, single submitter. Criteria: ACMG Guidelines, 2015. Collection method: clinical testing. Allele origin: germline. Affected: yes. Observed: 1 variant allele.
Comment: ACMG criteria applied: PVS1, PM3, PM2_SUP

Molecular Genetics Laboratory, Institute for Ophthalmic Research
Classification: Pathogenic for Retinitis pigmentosa. Last evaluated: 2020-01-09. Review status: criteria provided, single submitter. Criteria: ACMG Guidelines, 2015. Collection method: research. Allele origin: germline. Affected: yes.

CeGaT Center for Human Genetics Tuebingen
Classification: Pathogenic. Last evaluated: 2018-02-01. Review status: criteria provided, single submitter. Criteria: CeGaT Center For Human Genetics Tuebingen Variant Classification Criteria Version 2. Collection method: clinical testing. Allele origin: germline. Affected: yes. Observed: 1 variant allele.

Department of Clinical Genetics, Copenhagen University Hospital, Rigshospitalet
Classification: Likely pathogenic for Leber congenital amaurosis. Last evaluated: 2018-04-01. Review status: no assertion criteria provided. Collection method: research. Allele origin: unknown. Affected: yes. Study: VeluxRD. Not counted in ClinVar's aggregate classification.

Literature cited by the submitters: PubMed 34196655 (cited by Natera, Inc.); PubMed 30718709 (cited by Natera, Inc. and Department of Clinical Genetics, Copenhagen University Hospital, Rigshospitalet); PubMed 37230223 (cited by Natera, Inc.); PubMed 16199547 (cited by Labcorp Genetics (formerly Invitae), Labcorp); PubMed 16909394 (cited by Labcorp Genetics (formerly Invitae), Labcorp); PubMed 17345604 (cited by Labcorp Genetics (formerly Invitae), Labcorp); PubMed 20690115 (cited by Labcorp Genetics (formerly Invitae), Labcorp).

NM_025114.4(CEP290):c.180+1G>A

Gene: CEP290 (centrosomal protein 290; minus strand). Cytogenetic location: 12q21.32.
Variant type: single nucleotide variant.
Coding change: c.180+1G>A on transcript NM_025114.4 (MANE Select); the canonical splice donor site of the intron after coding-DNA position 180, G replaced by A.
Molecular consequence: splice donor variant.
Genome position (GRCh38, 1-based): chr12:88,140,955, C>T on the plus strand (G>A on the coding strand, the complement: CEP290 is on the minus strand). VCF-style: chr12-88140955-C-T. GRCh37 (hg19) VCF-style: chr12-88534732-C-T.
Identifiers: ClinVar variation 461777 (VCV000461777.60), dbSNP rs758593134, ClinGen allele CA6712897.